The following is an entry in ClinVar:

ClinVar aggregate classification (germline): Uncertain significance (1 of 4 stars; one submission).

gnomAD v4.1: 1 of 1,211,984 alleles (0.000083%); highest among the groups gnomAD compares: Admixed American, 0.0022%; no homozygotes.

Submission:

GeneDx
Classification: Uncertain significance. Last evaluated: 2026-04-11. Review status: criteria provided, single submitter. Criteria: GeneDx Variant Classification Process June 2021. Collection method: clinical testing. Allele origin: germline.
Comment: In silico analysis supports that this missense variant has a deleterious effect on protein structure/function; Has not been previously published as pathogenic or benign to our knowledge

NM_001379451.1(BCORL1):c.3879G>C (p.Arg1293Ser)

Gene: BCORL1 (BCL6 corepressor like 1; plus strand). Cytogenetic location: Xq26.1.
Variant type: single nucleotide variant.
Coding change: c.3879G>C on transcript NM_001379451.1 (MANE Select); coding-DNA position 3879, G replaced by C.
Protein change: p.Arg1293Ser; replaces arginine 1293 with serine.
Molecular consequence: missense variant. On other transcripts: intron variant (4).
Genome position (GRCh38, 1-based): chrX:130,025,180, G>C. VCF-style: chrX-130025180-G-C. GRCh37 (hg19) VCF-style: chrX-129159155-G-C.
Other names: c.3879G>C, p.Arg1293Ser (NM_001184772.3, NM_001379450.1, NM_001441326.1 and 3 more transcripts); c.3688+2203G>C (NM_001441329.1, NM_001441331.1, NM_001441330.1 and 1 more transcripts); short protein forms R1293S.
Identifiers: ClinVar variation 5018359 (VCV005018359.1).